The following is an entry in ClinVar:

ClinVar aggregate classification (germline): Uncertain significance. Review status: reviewed by expert panel (3 of 4 stars). 7 submissions from 7 submitters: Uncertain significance (1). 6 of the submissions do not count toward it. Last evaluated 2025-08-01.

Conditions:
Central core myopathy (CMYO1A). Also called: Central core disease; Myopathy, central fibrillar; CONGENITAL MYOPATHY 1A, AUTOSOMAL DOMINANT, WITH SUSCEPTIBILITY TO MALIGNANT HYPERTHERMIA. Identifiers: Orphanet 597, MedGen C5830701, MONDO:0007294, OMIM 117000.
King Denborough syndrome (KDS). Identifiers: MedGen C1840365, MONDO:0020485, OMIM 619542.
Malignant hyperthermia, susceptibility to, 1 (MHS1). Also called: RYR1-Related Malignant Hyperthermia Susceptibility; Anesthesia related hyperthermia; Malignant hyperpyrexia; Fulminating hyperpyrexia; Pharmacogenic myopathy; Malignant hyperthermia suceptibility 1. Identifiers: Orphanet 423, MedGen C2930980, MONDO:0007783, OMIM 145600.
Congenital multicore myopathy with external ophthalmoplegia (CMYO1B). Also called: Minicore myopathy with external ophthalmoplegia; MULTIMINICORE DISEASE WITH EXTERNAL OPHTHALMOPLEGIA; Congenital myopathy 1B, autosomal recessive; Minicore myopathy; MULTICORE MYOPATHY. Identifiers: Orphanet 598, Orphanet 98905, MedGen C1850674, MONDO:0009712, OMIM 255320, HP:0003789.
Congenital myopathy with fiber type disproportion. Also called: Congenital fiber-type disproportion myopathy; Congenital fiber-type disproportion. Identifiers: Orphanet 2020, MedGen C0546264, MONDO:0009711. Inheritance: all.
Malignant hyperthermia of anesthesia. Also called: Anesthesic-triggered malignant hyperthermia. Identifiers: Orphanet 423, MedGen C0024591, MONDO:0018493, HP:0034733.
RYR1-related disorder. Also called: RYR1-related disorders; RYR1-related condition. Identifiers: MedGen CN239331.

Allele frequency attached by ClinVar (database versions not stated): ExAC 0.00002; gnomAD exomes 0.00002 and 0.00005; TOPMed 0.00002.
gnomAD v4.1: 78 of 1,610,384 alleles (0.0048%); highest among the groups gnomAD compares: Middle Eastern, 0.016%; no homozygotes.

Submissions (7):

ClinGen Malignant Hyperthermia Susceptibility Variant Curation Expert Panel, ClinGen
Classification: Uncertain significance for Malignant hyperthermia of anesthesia. Last evaluated: 2025-08-01. Review status: reviewed by expert panel. Criteria: ClinGen MHS ACMG Specifications V2. Collection method: curation. Allele origin: germline. Inheritance: Autosomal dominant inheritance.
Comment: This pathogenicity assessment is relevant only for malignant hyperthermia susceptibility (MHS) inherited in an autosomal dominant pattern. Variants in RYR1 can also cause other myopathies inherited in an autosomal dominant pattern or in an autosomal recessive pattern. Some of these disorders may predispose individuals to malignant hyperthermia. RYR1 variants may also contribute to a malignant hyperthermia reaction in combination with other genetic and non-genetic factors and the clinician needs to consider such factors in making management decisions. This sequence variant predicts a substitution of arginine with histidine at codon 2593 of the RYR1 protein, p.(Arg2593His). The maximum allele frequency for this variant among the six major gnomAD populations is NFE: 0.0000349, a frequency consistent with pathogenicity for MHS. This variant has been reported in two unrelated individuals who have a personal or family history of a malignant hyperthermia reaction, both of these individuals had a positive in vitro contracture test (IVCT) or caffeine halothane contracture test (CHCT) result (if the proband was unavailable for testing, a positive diagnostic test result in a mutation-positive relative was counted), however, one individual had a second variant of uncertain significance in RYR1 (p.Arg401Leu) and was not considered for PS4, PS4_Supporting (PMID:17968765, PMID:30236257). No functional studies were identified for this variant. This variant does not reside in a hotspot for pathogenic variants that contribute to MHS. A REVEL score of 0.825 supports neither a pathogenic nor a benign status for this variant. This variant has been classified as a Variant of Unknown Significance. Criteria implemented: PS4_Supporting.

Labcorp Genetics (formerly Invitae), Labcorp
Classification: Uncertain significance for RYR1-related disorder. Last evaluated: 2025-09-12. Review status: criteria provided, single submitter. Criteria: Invitae Variant Classification Sherloc (09022015). Collection method: clinical testing. Allele origin: germline. Not counted in ClinVar's aggregate classification.
Comment: This sequence change replaces arginine, which is basic and polar, with histidine, which is basic and polar, at codon 2593 of the RYR1 protein (p.Arg2593His). This variant is present in population databases (rs751180702, gnomAD 0.005%). This missense change has been observed in individual(s) with malignant hyperthermia (PMID: 17968765, 30236257). ClinVar contains an entry for this variant (Variation ID: 654130). Invitae Evidence Modeling of protein sequence and biophysical properties (such as structural, functional, and spatial information, amino acid conservation, physicochemical variation, residue mobility, and thermodynamic stability) indicates that this missense variant is not expected to disrupt RYR1 protein function with a negative predictive value of 80%. In summary, the available evidence is currently insufficient to determine the role of this variant in disease. Therefore, it has been classified as a Variant of Uncertain Significance.

Color Diagnostics, LLC DBA Color Health
Classification: Uncertain significance for Malignant hyperthermia, susceptibility to, 1. Last evaluated: 2025-05-29. Review status: criteria provided, single submitter. Criteria: ACMG Guidelines, 2015. Collection method: clinical testing. Allele origin: germline. Not counted in ClinVar's aggregate classification.
Comment: This missense variant replaces arginine with histidine at codon 2593 of the RYR1 protein. Computational prediction suggests that this variant may have deleterious impact on protein structure and function. To our knowledge, functional studies have not been reported for this variant. This variant has not been reported in individuals affected with RYR1-related disorders in the literature. This variant has been identified in 5/249470 chromosomes in the general population by the Genome Aggregation Database (gnomAD). The available evidence is insufficient to determine the role of this variant in disease conclusively. Therefore, this variant is classified as a Variant of Uncertain Significance.

Women's Health and Genetics/Laboratory Corporation of America, LabCorp
Classification: Uncertain significance. Last evaluated: 2024-04-04. Review status: criteria provided, single submitter. Criteria: LabCorp Variant Classification Summary - May 2015. Collection method: clinical testing. Allele origin: germline. Not counted in ClinVar's aggregate classification.
Comment: Variant summary: RYR1 c.7778G>A (p.Arg2593His) results in a non-conservative amino acid change in the encoded protein sequence. Four of four in-silico tools predict a damaging effect of the variant on protein function. The variant allele was found at a frequency of 2e-05 in 249470 control chromosomes. The available data on variant occurrences in the general population are insufficient to allow any conclusion about variant significance. c.7778G>A has been reported in the literature in two individuals affected with Malignant Hyperthermia (MH) Susceptibility or a family history of MH, in one of those patients, a second heterozygous missense was also reported (p.Arg401Leu, Likely Pathogenic in ClinVar) (Adam_2007, Miller_2018). These report(s) do not provide unequivocal conclusions about association of the variant with Malignant Hyperthermia Susceptibility. To our knowledge, no experimental evidence demonstrating an impact on protein function has been reported. The following publications have been ascertained in the context of this evaluation (PMID: 30236257, 17968765). ClinVar contains an entry for this variant (Variation ID: 654130). Based on the evidence outlined above, the variant was classified as uncertain significance.

Fulgent Genetics
Classification: Uncertain significance for Central core myopathy; Malignant hyperthermia, susceptibility to, 1; Congenital myopathy 4A, autosomal dominant; Congenital multicore myopathy with external ophthalmoplegia; King Denborough syndrome. Last evaluated: 2021-10-07. Review status: criteria provided, single submitter. Criteria: ACMG Guidelines, 2015. Collection method: clinical testing. Allele origin: unknown. Not counted in ClinVar's aggregate classification.

Institute of Human Genetics, University of Leipzig Medical Center
Classification: Uncertain significance for Malignant hyperthermia, susceptibility to, 1. Last evaluated: 2020-09-28. Review status: criteria provided, single submitter. Criteria: ACMG Guidelines, 2015. Collection method: clinical testing. Allele origin: unknown. Affected: yes. Not counted in ClinVar's aggregate classification.

Revvity Omics, Revvity
Classification: Uncertain significance. Last evaluated: 2019-08-14. Review status: criteria provided, single submitter. Criteria: ACMG Guidelines, 2015. Collection method: clinical testing. Allele origin: germline. Not counted in ClinVar's aggregate classification.

Literature cited by the submitters: PubMed 17968765 (cited by Labcorp Genetics (formerly Invitae), Labcorp and Women's Health and Genetics/Laboratory Corporation of America, LabCorp); PubMed 30236257 (cited by Labcorp Genetics (formerly Invitae), Labcorp and Women's Health and Genetics/Laboratory Corporation of America, LabCorp).

NM_000540.3(RYR1):c.7778G>A (p.Arg2593His)

Gene: RYR1 (ryanodine receptor 1; plus strand). Cytogenetic location: 19q13.2.
Variant type: single nucleotide variant.
Coding change: c.7778G>A on transcript NM_000540.3 (MANE Select); coding-DNA position 7778, G replaced by A.
Protein change: p.Arg2593His; replaces arginine 2593 with histidine.
Molecular consequence: missense variant.
Genome position (GRCh38, 1-based): chr19:38,502,670, G>A. VCF-style: chr19-38502670-G-A. GRCh37 (hg19) VCF-style: chr19-38993310-G-A.
Other names: NM_000540.2(RYR1):c.7778G>A; p.Arg2593His; c.7778G>A, p.Arg2593His (NM_001042723.2); short protein forms R2593H.
Identifiers: ClinVar variation 654130 (VCV000654130.13), dbSNP rs751180702, ClinGen allele CA070222.